The following is an entry in ClinVar:

NM_024301.5(FKRP):c.142del (p.Arg48fs)

Gene: FKRP (fukutin related protein; plus strand). Cytogenetic location: 19q13.32.
Variant type: Deletion.
Coding change: c.142del on transcript NM_024301.5 (MANE Select); coding-DNA position 142, one base deleted (C; older notation c.142delC).
Protein change: p.Arg48fs; shifts the reading frame from arginine 48.
Molecular consequence: frameshift variant.
Genome position (GRCh38, 1-based): chr19:46,755,592, C deleted; the last of 5 consecutive C bases (chr19:46,755,588-46,755,592); deleting any one gives the same sequence. VCF-style (leftmost placement, unchanged base first): chr19-46755587-GC-G. GRCh37 (hg19) VCF-style: chr19-47258844-GC-G.
Other names: c.142del, p.Arg48fs (NM_001039885.3); short protein forms R48fs.
Identifiers: ClinVar variation 459229 (VCV000459229.11), dbSNP rs1555738103, ClinGen allele CA645608195.
Genomic context (GRCh38, chr19:46,755,587, plus strand): 5'-GGCTGCAGCACCAGCCTAGGAATTCCCGGGCCCGGGGGCCCCGTCGTGCCTCTGCTGCCG[GC>G]CCCCGTGTCACCGTCCTGGTGCGGGAGTTCGAGGCATTTGACAACGCGGTGCCCGAGCTG-3'

ClinVar aggregate classification (germline): Pathogenic (1 of 4 stars; one submission).

Conditions:
Walker-Warburg congenital muscular dystrophy. Also called: Muscular dystrophy-dystroglycanopathy, type A; Walker-Warburg syndrome. Identifiers: Orphanet 899, MedGen C0265221, MONDO:0000171.

Submission:

Labcorp Genetics (formerly Invitae), Labcorp
Classification: Pathogenic for Walker-Warburg congenital muscular dystrophy. Last evaluated: 2022-01-06. Review status: criteria provided, single submitter. Criteria: Invitae Variant Classification Sherloc (09022015). Collection method: clinical testing. Allele origin: germline.
Comment: This variant disrupts a region of the FKRP protein in which other variant(s) (p.Ser385*) have been determined to be pathogenic (PMID: 11592034, 12666124, 12707425, 14742276). This suggests that this is a clinically significant region of the protein, and that variants that disrupt it are likely to be disease-causing. For these reasons, this variant has been classified as Pathogenic. ClinVar contains an entry for this variant (Variation ID: 459229). This variant has not been reported in the literature in individuals affected with FKRP-related conditions. This variant is not present in population databases (gnomAD no frequency). This sequence change creates a premature translational stop signal (p.Arg48Valfs*20) in the FKRP gene. While this is not anticipated to result in nonsense mediated decay, it is expected to disrupt the last 448 amino acid(s) of the FKRP protein.

Literature cited by the submitters: PubMed 11592034; PubMed 12666124; PubMed 12707425; PubMed 14742276.